The following is an entry in ClinVar:

GRCh37/hg19 17p13.3(chr17:1036887-1249924)x4

Genes: ABR (ABR activator of RhoGEF and GTPase; minus strand), BHLHA9 (basic helix-loop-helix family member a9; plus strand), TRARG1 (trafficking regulator of GLUT4 (SLC2A4) 1; plus strand), YWHAE (tyrosine 3-monooxygenase/tryptophan 5-monooxygenase activation protein epsilon; minus strand). Cytogenetic location: 17p13.3.
Variant type: copy number gain.
Change: copy number 4 of chr17:1,036,887-1,249,924 (213.0 kb, GRCh37 coordinates, 1-based), cytogenetic band 17p13.3.
Identifiers: ClinVar variation 2685056 (VCV002685056.1).

ClinVar aggregate classification (germline): Pathogenic (1 of 4 stars; one submission).

Submission:

Quest Diagnostics Nichols Institute San Juan Capistrano
Classification: Pathogenic. Last evaluated: 2022-09-27. Review status: criteria provided, single submitter. Criteria: ACMG/ClinGen CNV Guidelines, 2019. Collection method: clinical testing. Allele origin: unknown.
Comment: The copy number gain of 17p13.3 involves multiple protein-coding genes, including BHLHA9 (OMIM 615416). Microduplications and triplications involving BHLHA9 have been described in individuals with split-hand/foot malformation with long bone deficiency-3 (SHFLD3; OMIM 612576; Carter 2017; Duan 2022; Flottmann 2018; Klopocki 2012). Reduced penetrance is reported (Armour 2011; Duan 2022; Klopocki 2012; Nagata 2014; Petit 2014). Thus, based on current medical literature, this copy number variant (CNV) is interpreted as pathogenic. References: Carter et al., J Hum Genet. 2017 Oct;62(10):877-884. PMID: 28539665 Duan et al., HGG Adv. 2022 Aug 4;3(4):100132. PMID: 36035248 Flottmann et al., Genet Med. 2018 Jun;20(6):599-607. PMID: 29236091 Klopocki et al., J Med Genet. 2012 Feb;49(2):119-25. PMID: 22147889 Nagata et al., Orphanet J Rare Dis. 2014 Oct 21;9:125. PMID: 25351291 Petit et al., Clin Genet. 2014 May;85(5):464-9. PMID: 23790188